The following is an entry in ClinVar:

NM_000548.5(TSC2):c.3029A>G (p.Gln1010Arg)

Gene: TSC2 (TSC complex subunit 2; plus strand). Cytogenetic location: 16p13.3.
Variant type: single nucleotide variant.
Coding change: c.3029A>G on transcript NM_000548.5 (MANE Select); coding-DNA position 3029, A replaced by G.
Protein change: p.Gln1010Arg; replaces glutamine 1010 with arginine.
Molecular consequence: missense variant.
Genome position (GRCh38, 1-based): chr16:2,079,094, A>G. VCF-style: chr16-2079094-A-G. GRCh37 (hg19) VCF-style: chr16-2129095-A-G.
Other names: c.2897A>G, p.Gln966Arg (NM_001077183.3, NM_001370404.1, NM_001406665.1); c.3029A>G, p.Gln1010Arg (NM_001114382.3); c.2789A>G, p.Gln930Arg (NM_001318827.2); c.2753A>G, p.Gln918Arg (NM_001318829.2); c.2297A>G, p.Gln766Arg (NM_001318831.2, NM_001406687.1, NM_001406688.1); c.2930A>G, p.Gln977Arg (NM_001318832.2); c.2900A>G, p.Gln967Arg (NM_001363528.2, NM_001370405.1, NM_021055.3); c.3026A>G, p.Gln1009Arg (NM_001406663.1, NM_001406664.1); and 18 more; short protein forms Q766R, Q917R, Q929R, Q966R, Q973R, Q977R, Q1009R, Q1010R.
Identifiers: ClinVar variation 1798988 (VCV001798988.2), dbSNP rs1194695685, ClinGen allele CA394284002.
Genomic context (GRCh38, chr16:2,079,094, plus strand): 5'-GGATACAGACGTCCCTCACCAGTGCCAGCTTGGGGTCTGCAGATGAGAACTCCGTGGCCC[A>G]GGCTGACGATAGCCTGAAAAACCTCCACCTGGAGCTCACGGAAACCTGTCTGGACATGAT-3'
Protein context (NP_000539.2, residues 1000-1020): LGSADENSVA[Gln1010Arg]ADDSLKNLHL

ClinVar aggregate classification (germline): Uncertain significance (1 of 4 stars; one submission).

Conditions:
Hereditary cancer-predisposing syndrome. Also called: Neoplastic Syndromes, Hereditary; Tumor predisposition; Hereditary Cancer Syndrome; Hereditary neoplastic syndrome. Identifiers: Orphanet 140162, MedGen C0027672, MeSH D009386, MONDO:0015356.

Allele frequency attached by ClinVar (database versions not stated): gnomAD exomes below 0.00001.
gnomAD v4.1: 2 of 1,613,028 alleles (0.00012%); highest among the groups gnomAD compares: Non-Finnish European, 0.000085%; no homozygotes.

Submission:

Ambry Genetics
Classification: Uncertain significance for Hereditary cancer-predisposing syndrome. Last evaluated: 2020-08-24. Review status: criteria provided, single submitter. Criteria: Ambry Variant Classification Scheme 2023. Collection method: clinical testing. Allele origin: germline.
Comment: The p.Q1010R variant (also known as c.3029A>G), located in coding exon 26 of the TSC2 gene, results from an A to G substitution at nucleotide position 3029. The glutamine at codon 1010 is replaced by arginine, an amino acid with highly similar properties. This amino acid position is highly conserved in available vertebrate species. In addition, this alteration is predicted to be deleterious by in silico analysis. Since supporting evidence is limited at this time, the clinical significance of this alteration remains unclear.